The following is an entry in ClinVar:

NM_024675.4(PALB2):c.3095T>G (p.Met1032Arg)

Gene: PALB2 (partner and localizer of BRCA2; minus strand). Cytogenetic location: 16p12.2.
Variant type: single nucleotide variant.
Coding change: c.3095T>G on transcript NM_024675.4 (MANE Select); coding-DNA position 3095, T replaced by G.
Protein change: p.Met1032Arg; replaces methionine 1032 with arginine.
Molecular consequence: missense variant.
Genome position (GRCh38, 1-based): chr16:23,621,380, A>C on the plus strand (T>G on the coding strand, the complement: PALB2 is on the minus strand). VCF-style: chr16-23621380-A-C. GRCh37 (hg19) VCF-style: chr16-23632701-A-C.
Other names: short protein forms M1032R.
Identifiers: ClinVar variation 233610 (VCV000233610.20), dbSNP rs745562326, ClinGen allele CA10579933.

ClinVar aggregate classification (germline): Uncertain significance. Review status: criteria provided, multiple submitters, no conflicts (2 of 4 stars). 4 submissions from 4 submitters: Uncertain significance (3). 1 of the submissions does not count toward it. Last evaluated 2025-07-27.

Conditions:
Hereditary cancer-predisposing syndrome. Also called: Neoplastic Syndromes, Hereditary; Tumor predisposition; Hereditary Cancer Syndrome; Hereditary neoplastic syndrome. Identifiers: Orphanet 140162, MedGen C0027672, MeSH D009386, MONDO:0015356.
Malignant tumor of breast. Also called: Malignant breast neoplasm; Cancer breast. Identifiers: MedGen C0006142, MONDO:0007254. Disease mechanism: loss of function.
Familial cancer of breast. Also called: BREAST CANCER, FAMILIAL; hereditary breast carcinoma; Hereditary breast cancer. Identifiers: Orphanet 227535, MedGen C0346153, MONDO:0016419, OMIM 114480. Disease mechanism: loss of function.

Submissions (4):

Labcorp Genetics (formerly Invitae), Labcorp
Classification: Uncertain significance for Familial cancer of breast. Last evaluated: 2025-07-27. Review status: criteria provided, single submitter. Criteria: Invitae Variant Classification Sherloc (09022015). Collection method: clinical testing. Allele origin: germline.
Comment: This sequence change replaces methionine, which is neutral and non-polar, with arginine, which is basic and polar, at codon 1032 of the PALB2 protein (p.Met1032Arg). This variant is not present in population databases (gnomAD no frequency). This variant has not been reported in the literature in individuals affected with PALB2-related conditions. ClinVar contains an entry for this variant (Variation ID: 233610). Invitae Evidence Modeling of protein sequence and biophysical properties (such as structural, functional, and spatial information, amino acid conservation, physicochemical variation, residue mobility, and thermodynamic stability) indicates that this missense variant is expected to disrupt PALB2 protein function with a positive predictive value of 80%. In summary, the available evidence is currently insufficient to determine the role of this variant in disease. Therefore, it has been classified as a Variant of Uncertain Significance.

Ambry Genetics
Classification: Uncertain significance for Hereditary cancer-predisposing syndrome. Last evaluated: 2024-02-13. Review status: criteria provided, single submitter. Criteria: Ambry Variant Classification Scheme 2023. Collection method: clinical testing. Allele origin: germline.
Comment: The p.M1032R variant (also known as c.3095T>G), located in coding exon 10 of the PALB2 gene, results from a T to G substitution at nucleotide position 3095. The methionine at codon 1032 is replaced by arginine, an amino acid with similar properties. This variant was not reported in population based cohorts in the following databases: Database of Single Nucleotide Polymorphisms (dbSNP), NHLBI Exome Sequencing Project (ESP), and 1000 Genomes Project. In the ESP, this variant was not observed in 6497 samples (12994 alleles) with coverage at this position. To date, this alteration has been detected with an allele frequency of approximately 0.001% (greater than 225000 alleles tested) in our clinical cohort. This amino acid position is not well conserved on limited sequence alignment. In addition, this alteration is predicted to be tolerated by in silico analysis. Since supporting evidence is limited at this time, the clinical significance of p.M1032R remains unclear.

Color Diagnostics, LLC DBA Color Health
Classification: Uncertain significance for Hereditary cancer-predisposing syndrome. Last evaluated: 2019-12-12. Review status: criteria provided, single submitter. Criteria: ACMG Guidelines, 2015. Collection method: clinical testing. Allele origin: germline.
Comment: This missense variant replaces methionine with arginine at codon 1032 of the PALB2 protein. Computational prediction suggests that this variant may not impact protein structure and function (internally defined REVEL score threshold <= 0.5, PMID: 27666373). Splice site prediction tools suggest that this variant may not impact RNA splicing. To our knowledge, functional studies have not been performed for this variant. This variant has not been reported in individuals affected with hereditary cancer in the literature. This variant has not been identified in the general population by the Genome Aggregation Database (gnomAD). The available evidence is insufficient to determine the role of this variant in disease conclusively. Therefore, this variant is classified as a Variant of Uncertain Significance.

Department of Pathology and Laboratory Medicine, Sinai Health System
Classification: Uncertain significance for Malignant tumor of breast. Review status: no assertion criteria provided. Collection method: clinical testing. Allele origin: unknown. Affected: yes. Study: The Canadian Open Genetics Repository (COGR). Not counted in ClinVar's aggregate classification.
Comment: The PALB2 p.Met1032Arg variant was not identified in the literature, nor was it identified in the LOVD 3.0 database. The variant was identified in dbSNP (rs745562326) as â€šÃ„Ãºwith uncertain significance alleleâ€šÃ„Ã¹ and ClinVar (classified as uncertain significance by Invitae and Ambry Genetics). The variant was not identified in the following control databases: the Exome Aggregation Consortium (August 8th 2016) or the Genome Aggregation Database (Feb 27, 2017). The p.Met1032Arg residue is not conserved in mammals and four out of five computational analyses (PolyPhen-2, SIFT, AlignGVGD, BLOSUM, MutationTaster) do not suggest a high likelihood of impact to the protein; however, this information is not predictive enough to rule out pathogenicity. The variant occurs outside of the splicing consensus sequence and 2 of 4 in silico or computational prediction software programs (SpliceSiteFinder, MaxEntScan, NNSPLICE, GeneSplicer) predict a greater than 10% difference in splicing; this is not very predictive of pathogenicity. In summary, based on the above information the clinical significance of this variant cannot be determined with certainty at this time. This variant is classified as a variant of uncertain significance.